The following is an entry in ClinVar:

NM_001393769.1(MED12L):c.3155A>G (p.Asn1052Ser)

Genes: MED12L (mediator complex subunit 12L; plus strand), P2RY12 (purinergic receptor P2Y12; minus strand). Cytogenetic location: 3q25.1.
Variant type: single nucleotide variant.
Coding change: c.3155A>G on transcript NM_001393769.1 (MANE Select); coding-DNA position 3155, A replaced by G.
Protein change: p.Asn1052Ser; replaces asparagine 1052 with serine.
Molecular consequence: missense variant. On other transcripts: intron variant (1).
Genome position (GRCh38, 1-based): chr3:151,365,176, A>G. VCF-style: chr3-151365176-A-G. GRCh37 (hg19) VCF-style: chr3-151082964-A-G.
Other names: c.3050A>G, p.Asn1017Ser (NM_053002.6); c.-180+19516T>C (NM_022788.5); short protein forms N1017S, N1052S.
Identifiers: ClinVar variation 4885423 (VCV004885423.2).

ClinVar aggregate classification (germline): Uncertain significance (1 of 4 stars; one submission).

Submission:

Dasa
Classification: Uncertain significance. Last evaluated: 2025-07-09. Review status: criteria provided, single submitter. Criteria: DASA Assertion Criteria. Collection method: clinical testing. Allele origin: germline.
Comment: NM_001393769.1(MED12L):c.3155A>G (p.Asn1052Ser) is a missense variant that results in the substitution of asparagine with serine. This variant is rare in population databases. Computational prediction algorithms are consistent with a benign effect. The currently available literature and clinical evidence are not sufficient to establish a definitive association between this variant and the reported condition. Therefore, this variant is classified as a variant of uncertain significance.